The following is an entry in ClinVar:

NM_198253.3(TERT):c.2306T>A (p.Leu769His)

Gene: TERT (telomerase reverse transcriptase; minus strand). Cytogenetic location: 5p15.33.
Variant type: single nucleotide variant.
Coding change: c.2306T>A on transcript NM_198253.3 (MANE Select); coding-DNA position 2306, T replaced by A.
Protein change: p.Leu769His; replaces leucine 769 with histidine.
Molecular consequence: missense variant.
Genome position (GRCh38, 1-based): chr5:1,272,261, A>T on the plus strand (T>A on the coding strand, the complement: TERT is on the minus strand). VCF-style: chr5-1272261-A-T. GRCh37 (hg19) VCF-style: chr5-1272376-A-T.
Other names: c.2306T>A, p.Leu769His (NM_001193376.3, NM_003219.1); short protein forms L769H.
Identifiers: ClinVar variation 2948914 (VCV002948914.3), dbSNP rs2478210363, ClinGen allele CA359076451.

ClinVar aggregate classification (germline): Uncertain significance (1 of 4 stars; one submission).

Conditions:
Idiopathic Pulmonary Fibrosis. Also called: Idiopathic fibrosing alveolitis, chronic form; idiopathic fibrosing alveolitis. Identifiers: Orphanet 2032, MedGen C1800706, MeSH D054990, MONDO:0800504.
Dyskeratosis congenita, autosomal dominant 2. Identifiers: MedGen C3151443, MONDO:0013521, OMIM 613989.

Submission:

Labcorp Genetics (formerly Invitae), Labcorp
Classification: Uncertain significance for Dyskeratosis congenita, autosomal dominant 2; Idiopathic Pulmonary Fibrosis. Last evaluated: 2023-06-16. Review status: criteria provided, single submitter. Criteria: Invitae Variant Classification Sherloc (09022015). Collection method: clinical testing. Allele origin: germline.
Comment: In summary, the available evidence is currently insufficient to determine the role of this variant in disease. Therefore, it has been classified as a Variant of Uncertain Significance. Advanced modeling of protein sequence and biophysical properties (such as structural, functional, and spatial information, amino acid conservation, physicochemical variation, residue mobility, and thermodynamic stability) performed at Invitae indicates that this missense variant is expected to disrupt TERT protein function. This variant has not been reported in the literature in individuals affected with TERT-related conditions. This variant is not present in population databases (gnomAD no frequency). This sequence change replaces leucine, which is neutral and non-polar, with histidine, which is basic and polar, at codon 769 of the TERT protein (p.Leu769His).